The following is an entry in ClinVar:

NM_002755.4(MAP2K1):c.263A>G (p.Lys88Arg)

Gene: MAP2K1 (mitogen-activated protein kinase kinase 1; plus strand). Cytogenetic location: 15q22.31.
Variant type: single nucleotide variant.
Coding change: c.263A>G on transcript NM_002755.4 (MANE Select); coding-DNA position 263, A replaced by G.
Protein change: p.Lys88Arg; replaces lysine 88 with arginine.
Molecular consequence: missense variant.
Genome position (GRCh38, 1-based): chr15:66,435,209, A>G. VCF-style: chr15-66435209-A-G. GRCh37 (hg19) VCF-style: chr15-66727547-A-G.
Other names: short protein forms K88R.
Identifiers: ClinVar variation 667260 (VCV000667260.6), dbSNP rs762354445, ClinGen allele CA7623882.
Genomic context (GRCh38, chr15:66,435,209, plus strand): 5'-TTGAGAAGATCAGTGAGCTGGGGGCTGGCAATGGCGGTGTGGTGTTCAAGGTCTCCCACA[A>G]GCCTTCTGGCCTGGTCATGGCCAGAAAGGTGAGTTTGCCTTGATTAACAGGTAATTGGAT-3'
Protein context (NP_002746.1, residues 78-98): NGGVVFKVSH[Lys88Arg]PSGLVMARKL

ClinVar aggregate classification (germline): Uncertain significance. Review status: criteria provided, multiple submitters, no conflicts (2 of 4 stars). 2 submissions from 2 submitters: Uncertain significance (2). Last evaluated 2023-03-24.

Conditions:
Cardiovascular phenotype. Identifiers: MedGen CN230736.

Allele frequency attached by ClinVar (database versions not stated): gnomAD exomes below 0.00001; TOPMed below 0.00001; ExAC 0.00001; gnomAD 0.00001.
gnomAD v4.1: 2 of 1,614,058 alleles (0.00012%); highest among the groups gnomAD compares: Non-Finnish European, 0.00017%; no homozygotes.

Submissions (2):

Ambry Genetics
Classification: Uncertain significance for Cardiovascular phenotype. Last evaluated: 2023-03-24. Review status: criteria provided, single submitter. Criteria: Ambry Variant Classification Scheme 2023. Collection method: clinical testing. Allele origin: germline.
Comment: The c.263A>G (p.K88R) alteration is located in exon 2 (coding exon 2) of the MAP2K1 gene. This alteration results from a A to G substitution at nucleotide position 263, causing the lysine (K) at amino acid position 88 to be replaced by an arginine (R). This variant was not reported in population-based cohorts in the Genome Aggregation Database (gnomAD). This amino acid position is not well conserved in available vertebrate species. This missense alteration is located in a region that has a low rate of benign missense variation (Lek, 2016; Firth, 2009). This alteration is predicted to be tolerated by in silico analysis. Based on insufficient or conflicting evidence, the clinical significance of this alteration remains unclear.

Laboratory for Molecular Medicine, Mass General Brigham Personalized Medicine
Classification: Uncertain significance. Last evaluated: 2018-06-19. Review status: criteria provided, single submitter. Criteria: LMM Criteria. Collection method: clinical testing. Allele origin: germline. Observed: 1 variant allele.
Comment: Variant classified as Uncertain Significance - Favor Benign. The p.Lys88Arg vari ant in MAP2K1 has not been previously reported in individuals with clinical feat ures of a Noonan spectrum disorder, but has been identified in 1/111630 Europea n chromosomes by the Genome Aggregation Database (gnomAD). Although this variant has been seen in the general population, its frequency is not high enough to rule out a pathogenic role. Computational predic tion tools and conservation analysis suggest that the p.Lys88Arg variant may not impact the protein, though this information is not predictive enough to rule ou t pathogenicity. In summary, the clinical significance of the p.Lys88Arg variant is uncertain. ACMG/AMP Criteria applied: BP4.